The following is an entry in ClinVar:

NM_001127222.2(CACNA1A):c.3764T>C (p.Met1255Thr)

Gene: CACNA1A (calcium voltage-gated channel subunit alpha1 A; minus strand). Cytogenetic location: 19p13.13.
Variant type: single nucleotide variant.
Coding change: c.3764T>C on transcript NM_001127222.2 (MANE Select); coding-DNA position 3764, T replaced by C.
Protein change: p.Met1255Thr; replaces methionine 1255 with threonine.
Molecular consequence: missense variant.
Genome position (GRCh38, 1-based): chr19:13,283,325, A>G on the plus strand (T>C on the coding strand, the complement: CACNA1A is on the minus strand). VCF-style: chr19-13283325-A-G. GRCh37 (hg19) VCF-style: chr19-13394139-A-G.
Other names: c.3776T>C, p.Met1259Thr (NM_000068.4, NM_023035.3); c.3767T>C, p.Met1256Thr (NM_001127221.2, NM_001174080.2); short protein forms M1256T, M1255T, M1259T.
Identifiers: ClinVar variation 426475 (VCV000426475.7), dbSNP rs1085307644, ClinGen allele CA404340650.
Genomic context (GRCh38, chr19:13,283,325, plus strand): 5'-ACGTTGTTCCGAGGTGCGTTGGGCTGCACAGGGTCCTCGGCGGCCAGGGCGATGCTGCTC[A>G]TGGCAATGACCATGAGGATGCACATCTCAAAGTAGCGCAGGTTCAGGATGTAATGGCACA-3'
Protein context (NP_001120694.1, residues 1245-1265): FEMCILMVIA[Met1255Thr]SSIALAAEDP

ClinVar aggregate classification (germline): Uncertain significance. Review status: criteria provided, multiple submitters, no conflicts (2 of 4 stars). 2 submissions from 2 submitters: Uncertain significance (2). Last evaluated 2024-01-08.

Conditions:
Episodic ataxia type 2 (EA2). Also called: ATAXIA, EPISODIC, WITH NYSTAGMUS; ATAXIA, FAMILIAL PAROXYSMAL; CEREBELLAR ATAXIA, PAROXYSMAL, ACETAZOLAMIDE-RESPONSIVE; CEREBELLOPATHY, HEREDITARY PAROXYSMAL; EPISODIC ATAXIA, NYSTAGMUS-ASSOCIATED; ACETAZOLAMIDE-RESPONSIVE HEREDITARY PAROXYSMAL CEREBELLAR ATAXIA. Identifiers: Orphanet 97, MedGen C1720416, MONDO:0007163, OMIM 108500.
Developmental and epileptic encephalopathy, 42 (DEE42A). Also called: Epileptic encephalopathy, early infantile, 42; DEVELOPMENTAL AND EPILEPTIC ENCEPHALOPATHY 42A; EPILEPTIC ENCEPHALOPATHY, EARLY INFANTILE, 42A. Identifiers: MedGen C4310716, MONDO:0014917, OMIM 617106.

Submissions (2):

Labcorp Genetics (formerly Invitae), Labcorp
Classification: Uncertain significance for Developmental and epileptic encephalopathy, 42; Episodic ataxia type 2. Last evaluated: 2024-01-08. Review status: criteria provided, single submitter. Criteria: Invitae Variant Classification Sherloc (09022015). Collection method: clinical testing. Allele origin: germline.
Comment: This sequence change replaces methionine, which is neutral and non-polar, with threonine, which is neutral and polar, at codon 1256 of the CACNA1A protein (p.Met1256Thr). This variant is not present in population databases (gnomAD no frequency). This variant has not been reported in the literature in individuals affected with CACNA1A-related conditions. ClinVar contains an entry for this variant (Variation ID: 426475). Advanced modeling of protein sequence and biophysical properties (such as structural, functional, and spatial information, amino acid conservation, physicochemical variation, residue mobility, and thermodynamic stability) performed at Invitae indicates that this missense variant is expected to disrupt CACNA1A protein function with a positive predictive value of 95%. In summary, the available evidence is currently insufficient to determine the role of this variant in disease. Therefore, it has been classified as a Variant of Uncertain Significance.

GeneDx
Classification: Uncertain significance. Last evaluated: 2017-04-14. Review status: criteria provided, single submitter. Criteria: GeneDx Variant Classification (06012015). Collection method: clinical testing. Allele origin: germline. Affected: yes.
Comment: A variant of uncertain significance has been identified in the CACNA1A gene. The M1256T variant has not been published as a pathogenic variant, nor has it been reported as a benign variant to our knowledge. The M1256T variant is not observed in large population cohorts (Lek et al., 2016; 1000 Genomes Consortium et al., 2015; Exome Variant Server). The M1256T variant is a non-conservative amino acid substitution, which is likely to impact secondary protein structure as these residues differ in polarity, charge, size and/or other properties. This substitution occurs at a position that is conserved across species, and in silico analysis predicts this variant is probably damaging to the protein structure/function. Based on the currently available information, it is unclear whether this variant is a pathogenic variant or a rare benign variant.